The following is an entry in ClinVar:

NM_000143.4(FH):c.640_738+416del

Gene: FH (fumarate hydratase; minus strand). Cytogenetic location: 1q43.
Variant type: Deletion.
Coding change: c.640_738+416del on transcript NM_000143.4 (MANE Select); coding-DNA position 640 through 416 bases into the intron after coding-DNA position 738, 515 bases deleted.
Molecular consequence: splice donor variant.
Genome position (GRCh38, 1-based): chr1:241,508,187-241,508,701, 515 bases deleted. GRCh37 (hg19): chr1:241,671,489-241,672,003.
Identifiers: ClinVar variation 4871330 (VCV004871330.1).

ClinVar aggregate classification (germline): Likely pathogenic (1 of 4 stars; one submission).

Conditions:
Hereditary cancer-predisposing syndrome. Also called: Neoplastic Syndromes, Hereditary; Hereditary Cancer Syndrome; Hereditary neoplastic syndrome; Tumor predisposition. Identifiers: Orphanet 140162, MedGen C0027672, MeSH D009386, MONDO:0015356.

Submission:

Ambry Genetics
Classification: Likely pathogenic for Hereditary cancer-predisposing syndrome. Last evaluated: 2026-05-05. Review status: criteria provided, single submitter. Criteria: Ambry Variant Classification Scheme 2023. Collection method: clinical testing. Allele origin: germline.
Comment: The c.640_738+416del515 variant results from a deletion of 515 nucleotides between positions c.640 and c.738+416 and involves the canonical splice donor site after coding exon 5 of the FH gene. This variant was reported in individual(s) with features consistent with FH-related tumor predisposition (Ambry internal data). This variant is considered to be rare based on population cohorts in the Genome Aggregation Database (gnomAD). The canonical splice donor site is highly conserved in available vertebrate species. In silico splice site analysis predicts that this alteration will weaken the native splice donor site and may result in the creation or strengthening of a novel splice donor site; however, the exact impact of this deletion on splicing and function is currently unknown. Variants that disrupt the canonical splice site are expected to cause aberrant splicing, resulting in an abnormal protein or a transcript that is subject to nonsense-mediated mRNA decay. As such, this variant is classified as likely pathogenic.